The following is an entry in ClinVar:

ClinVar aggregate classification (germline): Pathogenic (1 of 4 stars; one submission).

Conditions:
Isovaleryl-CoA dehydrogenase deficiency (IVA). Also called: ISOVALERIC ACID CoA DEHYDROGENASE DEFICIENCY; Isovaleric acidemia; IVD DEFICIENCY; Classic Isovaleric Acidemia. Identifiers: Orphanet 33, MedGen C0268575, MONDO:0009475, OMIM 243500.

Submission:

Myriad Genetics, Inc.
Classification: Pathogenic for Isovaleryl-CoA dehydrogenase deficiency. Last evaluated: 2023-08-09. Review status: criteria provided, single submitter. Criteria: Myriad Autosomal Dominant, Autosomal Recessive and X-Linked Classification Criteria (2023). Collection method: clinical testing. Allele origin: unknown.
Comment: NM_002225.3(IVD):c.483C>A(Y161*) is expected to be pathogenic in the context of isovaleric acidemia. This variant is predicted to lead to an abnormal or absent protein product due to the creation of a premature termination codon in IVD, a gene where loss-of-function variants are known to be pathogenic. Please note: this variant was assessed in the context of healthy population screening.

NM_002225.5(IVD):c.474C>A (p.Tyr158Ter)

Gene: IVD (isovaleryl-CoA dehydrogenase; plus strand). Cytogenetic location: 15q15.1.
Variant type: single nucleotide variant.
Coding change: c.474C>A on transcript NM_002225.5 (MANE Select); coding-DNA position 474, C replaced by A.
Protein change: p.Tyr158Ter; replaces tyrosine 158 with a stop codon.
Molecular consequence: nonsense. On other transcripts: non-coding transcript variant (1).
Genome position (GRCh38, 1-based): chr15:40,411,277, C>A. VCF-style: chr15-40411277-C-A. GRCh37 (hg19) VCF-style: chr15-40703476-C-A.
Other names: c.384C>A, p.Tyr128Ter (NM_001159508.3); c.426C>A, p.Tyr142Ter (NM_001354597.3); c.474C>A, p.Tyr158Ter (NM_001354598.3, NM_001354601.3); c.561C>A, p.Tyr187Ter (NM_001354599.3, NM_001354600.3); short protein forms Y128*, Y142*, Y158*, Y187*.
Identifiers: ClinVar variation 5011271 (VCV005011271.1).